The following is an entry in ClinVar:

ClinVar aggregate classification (germline): Uncertain significance. Review status: criteria provided, multiple submitters, no conflicts (2 of 4 stars). 2 submissions from 2 submitters: Uncertain significance (2). Last evaluated 2025-01-07.

Conditions:
Hereditary cancer-predisposing syndrome. Also called: Neoplastic Syndromes, Hereditary; Tumor predisposition; Hereditary neoplastic syndrome; Hereditary Cancer Syndrome. Identifiers: Orphanet 140162, MedGen C0027672, MeSH D009386, MONDO:0015356.
Breast-ovarian cancer, familial, susceptibility to, 4. Identifiers: Orphanet 145, MedGen C3280345, MONDO:0013669, OMIM 614291.

Submissions (2):

Labcorp Genetics (formerly Invitae), Labcorp
Classification: Uncertain significance for Breast-ovarian cancer, familial, susceptibility to, 4. Last evaluated: 2025-01-07. Review status: criteria provided, single submitter. Criteria: Invitae Variant Classification Sherloc (09022015). Collection method: clinical testing. Allele origin: germline.
Comment: This sequence change replaces aspartic acid, which is acidic and polar, with tyrosine, which is neutral and polar, at codon 90 of the RAD51D protein (p.Asp90Tyr). This variant is not present in population databases (gnomAD no frequency). This variant has not been reported in the literature in individuals affected with RAD51D-related conditions. ClinVar contains an entry for this variant (Variation ID: 839959). Invitae Evidence Modeling of protein sequence and biophysical properties (such as structural, functional, and spatial information, amino acid conservation, physicochemical variation, residue mobility, and thermodynamic stability) indicates that this missense variant is expected to disrupt RAD51D protein function with a positive predictive value of 80%. In summary, the available evidence is currently insufficient to determine the role of this variant in disease. Therefore, it has been classified as a Variant of Uncertain Significance.

Ambry Genetics
Classification: Uncertain significance for Hereditary cancer-predisposing syndrome. Last evaluated: 2021-12-21. Review status: criteria provided, single submitter. Criteria: Ambry Variant Classification Scheme 2023. Collection method: clinical testing. Allele origin: germline.
Comment: The p.D90Y variant (also known as c.268G>T), located in coding exon 4 of the RAD51D gene, results from a G to T substitution at nucleotide position 268. The aspartic acid at codon 90 is replaced by tyrosine, an amino acid with highly dissimilar properties. This amino acid position is conserved. In addition, this alteration is predicted to be deleterious by in silico analysis. Since supporting evidence is limited at this time, the clinical significance of this alteration remains unclear.

NM_002878.4(RAD51D):c.268G>T (p.Asp90Tyr)

Genes: RAD51L3-RFFL (RAD51L3-RFFL readthrough; minus strand), RAD51D (RAD51 paralog D; minus strand). Cytogenetic location: 17q12.
Variant type: single nucleotide variant.
Coding change: c.268G>T on transcript NM_002878.4 (MANE Select); coding-DNA position 268, G replaced by T.
Protein change: p.Asp90Tyr; replaces aspartic acid 90 with tyrosine.
Molecular consequence: missense variant. On other transcripts: non-coding transcript variant (2), intron variant (1).
Genome position (GRCh38, 1-based): chr17:35,107,443, C>A on the plus strand (G>T on the coding strand, the complement: RAD51D is on the minus strand). VCF-style: chr17-35107443-C-A. GRCh37 (hg19) VCF-style: chr17-33434462-C-A.
Other names: c.328G>T, p.Asp110Tyr (NM_001142571.2); c.145-962G>T (NM_133629.3); short protein forms D90Y, D110Y.
Identifiers: ClinVar variation 839959 (VCV000839959.9), dbSNP rs371561526, ClinGen allele CA399090029.